The following is an entry in ClinVar:

NM_144643.4(SCLT1):c.1218+2T>A

Gene: SCLT1 (sodium channel and clathrin linker 1; minus strand). Cytogenetic location: 4q28.2.
Variant type: single nucleotide variant.
Coding change: c.1218+2T>A on transcript NM_144643.4 (MANE Select); the canonical splice donor site of the intron after coding-DNA position 1218, T replaced by A.
Molecular consequence: splice donor variant.
Genome position (GRCh38, 1-based): chr4:128,952,767, A>T on the plus strand (T>A on the coding strand, the complement: SCLT1 is on the minus strand). VCF-style: chr4-128952767-A-T. GRCh37 (hg19) VCF-style: chr4-129873922-A-T.
Other names: c.1218+2T>A (NM_001410807.1).
Identifiers: ClinVar variation 1481407 (VCV001481407.8), dbSNP rs2126003617, ClinGen allele CA358187968.

ClinVar aggregate classification (germline): Likely pathogenic (1 of 4 stars; one submission).

Submission:

Labcorp Genetics (formerly Invitae), Labcorp
Classification: Likely pathogenic. Last evaluated: 2021-05-27. Review status: criteria provided, single submitter. Criteria: Invitae Variant Classification Sherloc (09022015). Collection method: clinical testing. Allele origin: germline.
Comment: In summary, the currently available evidence indicates that the variant is pathogenic, but additional data are needed to prove that conclusively. Therefore, this variant has been classified as Likely Pathogenic. Algorithms developed to predict the effect of sequence changes on RNA splicing suggest that this variant may disrupt the consensus splice site, but this prediction has not been confirmed by published transcriptional studies. This variant has not been reported in the literature in individuals with SCLT1-related conditions. This variant is not present in population databases (ExAC no frequency). This sequence change affects a donor splice site in intron 14 of the SCLT1 gene. It is expected to disrupt RNA splicing. Variants that disrupt the donor or acceptor splice site typically lead to a loss of protein function (PMID: 16199547), and loss-of-function variants in SCLT1 are known to be pathogenic (PMID: 28005958).

Literature cited by the submitters: PubMed 16199547; PubMed 28005958.